The following is an entry in ClinVar:

NM_006231.4(POLE):c.4892G>T (p.Arg1631Leu)

Gene: POLE (DNA polymerase epsilon, catalytic subunit; minus strand). Cytogenetic location: 12q24.33.
Variant type: single nucleotide variant.
Coding change: c.4892G>T on transcript NM_006231.4 (MANE Select); coding-DNA position 4892, G replaced by T.
Protein change: p.Arg1631Leu; replaces arginine 1631 with leucine.
Molecular consequence: missense variant.
Genome position (GRCh38, 1-based): chr12:132,642,566, C>A on the plus strand (G>T on the coding strand, the complement: POLE is on the minus strand). VCF-style: chr12-132642566-C-A. GRCh37 (hg19) VCF-style: chr12-133219152-C-A.
Other names: short protein forms R1631L.
Identifiers: ClinVar variation 517161 (VCV000517161.14), dbSNP rs775590365, ClinGen allele CA6892687.
Genomic context (GRCh38, chr12:132,642,566, plus strand): 5'-CTGCTCATCTCGAAGGCCTGCGACAGGCAGGTGTCCAGGTTGAGGTAGTGACGGATCATG[C>A]GCCGGGCTCCATGGCGCTGCCAGTCCAGGACCCCATAGTTGATCTTGTCAGCCACACAGA-3'
Protein context (NP_006222.2, residues 1621-1641): VLDWQRHGAR[Arg1631Leu]MIRHYLNLDT

ClinVar aggregate classification (germline): Uncertain significance. Review status: criteria provided, multiple submitters, no conflicts (2 of 4 stars). 3 submissions from 3 submitters: Uncertain significance (3). Last evaluated 2025-11-07.

Conditions:
Hereditary cancer-predisposing syndrome. Also called: Tumor predisposition; Hereditary neoplastic syndrome; Neoplastic Syndromes, Hereditary; Hereditary Cancer Syndrome. Identifiers: Orphanet 140162, MedGen C0027672, MeSH D009386, MONDO:0015356.

gnomAD v4.1: 6 of 1,613,552 alleles (0.00037%); highest among the groups gnomAD compares: Non-Finnish European, 0.00051%; no homozygotes.

Submissions (3):

Ambry Genetics
Classification: Uncertain significance for Hereditary cancer-predisposing syndrome. Last evaluated: 2025-11-07. Review status: criteria provided, single submitter. Criteria: Ambry Variant Classification Scheme 2023. Collection method: clinical testing. Allele origin: germline.
Comment: The p.R1631L variant (also known as c.4892G>T), located in coding exon 37 of the POLE gene, results from a G to T substitution at nucleotide position 4892. The arginine at codon 1631 is replaced by leucine, an amino acid with dissimilar properties. This amino acid position is not well conserved in available vertebrate species. In addition, the in silico prediction for this alteration is inconclusive. Based on the available evidence, the clinical significance of this variant remains unclear.

Labcorp Genetics (formerly Invitae), Labcorp
Classification: Uncertain significance. Last evaluated: 2025-03-05. Review status: criteria provided, single submitter. Criteria: Invitae Variant Classification Sherloc (09022015). Collection method: clinical testing. Allele origin: germline.
Comment: This sequence change replaces arginine, which is basic and polar, with leucine, which is neutral and non-polar, at codon 1631 of the POLE protein (p.Arg1631Leu). This variant is not present in population databases (gnomAD no frequency). This variant has not been reported in the literature in individuals affected with POLE-related conditions. ClinVar contains an entry for this variant (Variation ID: 517161). Invitae Evidence Modeling of protein sequence and biophysical properties (such as structural, functional, and spatial information, amino acid conservation, physicochemical variation, residue mobility, and thermodynamic stability) indicates that this missense variant is not expected to disrupt POLE protein function with a negative predictive value of 80%. In summary, the available evidence is currently insufficient to determine the role of this variant in disease. Therefore, it has been classified as a Variant of Uncertain Significance.

Laboratory for Molecular Medicine, Mass General Brigham Personalized Medicine
Classification: Uncertain significance. Last evaluated: 2016-11-17. Review status: criteria provided, single submitter. Criteria: LMM Criteria. Collection method: clinical testing. Allele origin: germline. Observed: 1 variant allele.
Comment: The p.Arg1631Leu variant in POLE has not been previously reported in individuals with colorectal cancer but has been identified in 1/66346 of European chromosom es by the Exome Aggregation Consortium (ExAC; db SNP rs775590365). Computational prediction tools and conservation analysis do no t provide strong support for or against an impact to the protein. In summary, th e clinical significance of the p.Arg1631Leu variant is uncertain.